The following is an entry in ClinVar:

NM_001365999.1(SZT2):c.6322T>C (p.Trp2108Arg)

Gene: SZT2 (SZT2 subunit of KICSTOR complex; plus strand). Cytogenetic location: 1p34.2.
Variant type: single nucleotide variant.
Coding change: c.6322T>C on transcript NM_001365999.1 (MANE Select); coding-DNA position 6322, T replaced by C.
Protein change: p.Trp2108Arg; replaces tryptophan 2108 with arginine.
Molecular consequence: missense variant.
Genome position (GRCh38, 1-based): chr1:43,437,626, T>C. VCF-style: chr1-43437626-T-C. GRCh37 (hg19) VCF-style: chr1-43903297-T-C.
Other names: c.6151T>C (NM_015284.3); c.6151T>C, p.Trp2051Arg (NM_015284.4); short protein forms W2108R, W2051R.
Identifiers: ClinVar variation 1383467 (VCV001383467.12), dbSNP rs1374531104, ClinGen allele CA340029184.

ClinVar aggregate classification (germline): Uncertain significance. Review status: criteria provided, multiple submitters, no conflicts (2 of 4 stars). 4 submissions from 4 submitters: Uncertain significance (4). Last evaluated 2025-07-12.

Conditions:
Inborn genetic diseases. Identifiers: MedGen C0950123, MeSH D030342.
Developmental and epileptic encephalopathy, 18 (DEE18). Also called: Early infantile epileptic encephalopathy 18. Identifiers: Orphanet 369894, MedGen C3809624, MONDO:0014201, OMIM 615476.

Allele frequency attached by ClinVar (database versions not stated): gnomAD exomes below 0.00001 and 0.00001.
gnomAD v4.1: 6 of 1,614,078 alleles (0.00037%); highest among the groups gnomAD compares: African/African-American, 0.0013%; no homozygotes.

Submissions (4):

Ambry Genetics
Classification: Uncertain significance for Inborn genetic diseases. Last evaluated: 2025-07-12. Review status: criteria provided, single submitter. Criteria: Ambry Variant Classification Scheme 2023. Collection method: clinical testing. Allele origin: germline.

Labcorp Genetics (formerly Invitae), Labcorp
Classification: Uncertain significance. Last evaluated: 2023-11-27. Review status: criteria provided, single submitter. Criteria: Invitae Variant Classification Sherloc (09022015). Collection method: clinical testing. Allele origin: germline.
Comment: This sequence change replaces tryptophan, which is neutral and slightly polar, with arginine, which is basic and polar, at codon 2051 of the SZT2 protein (p.Trp2051Arg). This variant is present in population databases (no rsID available, gnomAD 0.002%). This variant has not been reported in the literature in individuals affected with SZT2-related conditions. ClinVar contains an entry for this variant (Variation ID: 1383467). Advanced modeling of protein sequence and biophysical properties (such as structural, functional, and spatial information, amino acid conservation, physicochemical variation, residue mobility, and thermodynamic stability) performed at Invitae indicates that this missense variant is not expected to disrupt SZT2 protein function with a negative predictive value of 80%. In summary, the available evidence is currently insufficient to determine the role of this variant in disease. Therefore, it has been classified as a Variant of Uncertain Significance.

Genome-Nilou Lab
Classification: Uncertain significance for Developmental and epileptic encephalopathy, 18. Last evaluated: 2023-04-11. Review status: criteria provided, single submitter. Criteria: ACMG Guidelines, 2015. Collection method: clinical testing. Allele origin: germline. Affected: no.

GeneDx
Classification: Uncertain significance. Last evaluated: 2022-08-03. Review status: criteria provided, single submitter. Criteria: GeneDx Variant Classification Process June 2021. Collection method: clinical testing. Allele origin: germline. Affected: yes.
Comment: Not observed at significant frequency in large population cohorts (gnomAD); In silico analysis supports that this missense variant does not alter protein structure/function; Has not been previously published as pathogenic or benign to our knowledge